The following is an entry in ClinVar:

NM_000274.4(OAT):c.479delinsAA (p.Val160fs)

Gene: OAT (ornithine aminotransferase; minus strand). Cytogenetic location: 10q26.13.
Variant type: Indel.
Coding change: c.479delinsAA on transcript NM_000274.4 (MANE Select); coding-DNA position 479, T replaced by AA.
Protein change: p.Val160fs; shifts the reading frame from valine 160.
Molecular consequence: frameshift variant. On other transcripts: 5 prime UTR variant (1), intron variant (1).
Genome position (GRCh38, 1-based): chr10:124,408,583, A replaced by TT on the plus strand (T replaced by AA on the coding strand, the reverse complement: OAT is on the minus strand). VCF-style: chr10-124408583-A-TT. GRCh37 (hg19) VCF-style: chr10-126097152-A-TT.
Other names: c.65delinsAA, p.Val22fs (NM_001171814.2); c.479delinsAA, p.Val160fs (NM_001322965.2, NM_001322966.2, NM_001322967.2 and 3 more transcripts); c.-236delinsAA (NM_001322974.2); c.200-3020delinsAA (NM_001322971.2); short protein forms V160fs, V22fs.
Identifiers: ClinVar variation 5010460 (VCV005010460.1).

ClinVar aggregate classification (germline): Pathogenic (1 of 4 stars; one submission).

Conditions:
Ornithine aminotransferase deficiency (GACR). Also called: HYPERORNITHINEMIA WITH GYRATE ATROPHY OF CHOROID AND RETINA; OAT DEFICIENCY; OKT DEFICIENCY; Ornithine ketoacid aminotransferase deficiency; Gyrate atrophy; Gyrate atrophy of choroid and retina. Identifiers: Orphanet 414, MedGen C0018425, MONDO:0009796, OMIM 258870.

Submission:

Myriad Genetics, Inc.
Classification: Pathogenic for Ornithine aminotransferase deficiency. Last evaluated: 2024-05-14. Review status: criteria provided, single submitter. Criteria: Myriad Autosomal Dominant, Autosomal Recessive and X-Linked Classification Criteria (2023). Collection method: clinical testing. Allele origin: unknown.
Comment: NM_000274.3(OAT):c.479delTinsAA(V160Efs*21) is expected to be pathogenic in the context of ornithine aminotransferase deficiency. This variant is predicted to lead to an abnormal or absent protein product due to the creation of a premature termination codon in OAT, a gene where loss-of-function variants are known to be pathogenic. Please note: this variant was assessed in the context of healthy population screening.